The following is an entry in ClinVar:

NM_001371986.1(UNC80):c.5653A>T (p.Ser1885Cys)

Gene: UNC80 (unc-80 subunit of NALCN channel complex; plus strand). Cytogenetic location: 2q34.
Variant type: single nucleotide variant.
Coding change: c.5653A>T on transcript NM_001371986.1 (MANE Select); coding-DNA position 5653, A replaced by T.
Protein change: p.Ser1885Cys; replaces serine 1885 with cysteine.
Molecular consequence: missense variant.
Genome position (GRCh38, 1-based): chr2:209,922,374, A>T. VCF-style: chr2-209922374-A-T. GRCh37 (hg19) VCF-style: chr2-210787098-A-T.
Other names: c.5455A>T, p.Ser1819Cys (NM_032504.2); c.5440A>T, p.Ser1814Cys (NM_182587.4); short protein forms S1814C, S1819C, S1885C.
Identifiers: ClinVar variation 1629779 (VCV001629779.10), dbSNP rs79819256, ClinGen allele CA2083308.

ClinVar aggregate classification (germline): Conflicting classifications of pathogenicity. Review status: criteria provided, conflicting classifications (1 of 4 stars). 2 submissions from 2 submitters: Uncertain significance (1); Likely benign (1). Last evaluated 2026-01-09.

Conditions:
Hypotonia, infantile, with psychomotor retardation and characteristic facies 2 (IHPRF2). Also called: UNC80 Deficiency. Identifiers: Orphanet 371364, Orphanet 700333, MedGen C4225203, MONDO:0014777, OMIM 616801.

Allele frequency attached by ClinVar (database versions not stated): gnomAD 0.00004 and 0.00005; ExAC 0.00005; TOPMed 0.00009; gnomAD exomes 0.00020; 1000 Genomes Project 0.00060; 1000 Genomes Project 30x 0.00062.
gnomAD v4.1: 143 of 1,551,708 alleles (0.0092%); highest among the groups gnomAD compares: East Asian, 0.34%; no homozygotes.

Submissions (2):

Labcorp Genetics (formerly Invitae), Labcorp
Classification: Likely benign. Last evaluated: 2026-01-09. Review status: criteria provided, single submitter. Criteria: Invitae Variant Classification Sherloc (09022015). Collection method: clinical testing. Allele origin: germline.

Juno Genomics, Hangzhou Juno Genomics, Inc
Classification: Uncertain significance for Hypotonia, infantile, with psychomotor retardation and characteristic facies 2. Review status: criteria provided, single submitter. Criteria: ACMG Guidelines, 2015. Collection method: clinical testing. Allele origin: germline.
Comment: Absent from controls (or at extremely low frequency if recessive) in Genome Aggregation Database.;Missense variant in a gene that has a low rate of benign missense variation.